The following is an entry in ClinVar:

NM_003793.4(CTSF):c.1203C>T (p.Ser401=)

Gene: CTSF (cathepsin F; minus strand). Cytogenetic location: 11q13.2.
Variant type: single nucleotide variant.
Coding change: c.1203C>T on transcript NM_003793.4 (MANE Select); coding-DNA position 1203, C replaced by T.
Protein change: p.Ser401=; no amino-acid change (serine 401 retained).
Molecular consequence: synonymous variant.
Genome position (GRCh38, 1-based): chr11:66,564,769, G>A on the plus strand (C>T on the coding strand, the complement: CTSF is on the minus strand). VCF-style: chr11-66564769-G-A. GRCh37 (hg19) VCF-style: chr11-66332240-G-A.
Identifiers: ClinVar variation 715824 (VCV000715824.15), dbSNP rs139027846, ClinGen allele CA6125288.
Genomic context (GRCh38, chr11:66,564,769, plus strand): 5'-GATGGGGCAGGGGCAGTGGGGCTAGGGCCTCACCTGCATGCCAAAGGCATTGATGGCCAC[G>A]GAGATTGGGCCTCTCTTGGCCAGCCAGGCTGCCAGCTCTGAGATGGGAAGGGGTGGCATC-3'
Protein context (NP_003784.2, residues 391-411): AAWLAKRGPI[Ser401=]VAINAFGMQF

ClinVar aggregate classification (germline): Likely benign. Review status: criteria provided, multiple submitters, no conflicts (2 of 4 stars). 5 submissions from 5 submitters: Likely benign (4). 1 of the submissions does not count toward it. Last evaluated 2026-01-19.

Conditions:
CTSF-related disorder. Also called: CTSF-related condition.
Neuronal ceroid lipofuscinosis 13 (CLN13). Also called: CLN13 Disease; CEROID LIPOFUSCINOSIS, NEURONAL, 13 (KUFS TYPE). Identifiers: Orphanet 352709, Orphanet 79262, MedGen C3715049, MONDO:0014147, OMIM 615362.
Inborn genetic diseases. Identifiers: MedGen C0950123, MeSH D030342.

Allele frequency attached by ClinVar (database versions not stated): gnomAD exomes 0.00012; TOPMed 0.00014; ExAC 0.00015; 1000 Genomes Project 30x 0.00016; gnomAD 0.00016 and 0.00017; 1000 Genomes Project 0.00020; ESP Exome Variant Server 0.00023.
gnomAD v4.1: 251 of 1,614,046 alleles (0.016%); highest among the groups gnomAD compares: Non-Finnish European, 0.018%; no homozygotes.

Submissions (5):

Labcorp Genetics (formerly Invitae), Labcorp
Classification: Likely benign for Neuronal ceroid lipofuscinosis 13. Last evaluated: 2026-01-19. Review status: criteria provided, single submitter. Criteria: Invitae Variant Classification Sherloc (09022015). Collection method: clinical testing. Allele origin: germline.

Blueprint Genetics
Classification: Likely benign. Last evaluated: 2023-12-22. Review status: criteria provided, single submitter. Criteria: ACMG Guidelines, 2015. Collection method: clinical testing. Allele origin: germline.

GeneDx
Classification: Likely benign. Last evaluated: 2019-03-28. Review status: criteria provided, single submitter. Criteria: GeneDx Variant Classification Process June 2021. Collection method: clinical testing. Allele origin: germline. Affected: yes.

Ambry Genetics
Classification: Likely benign for Inborn genetic diseases. Last evaluated: 2017-06-30. Review status: criteria provided, single submitter. Criteria: Ambry Variant Classification Scheme 2023. Collection method: clinical testing. Allele origin: germline.

PreventionGenetics, part of Exact Sciences
Classification: Likely benign for CTSF-related condition. Last evaluated: 2023-02-27. Review status: no assertion criteria provided. Collection method: clinical testing. Allele origin: germline. Not counted in ClinVar's aggregate classification.
Comment: This variant is classified as likely benign based on ACMG/AMP sequence variant interpretation guidelines (Richards et al. 2015 PMID: 25741868, with internal and published modifications).